The following is an entry in ClinVar:

NM_177531.6(PKHD1L1):c.6515C>T (p.Ala2172Val)

Gene: PKHD1L1 (PKHD1 like 1; plus strand). Cytogenetic location: 8q23.1.
Variant type: single nucleotide variant.
Coding change: c.6515C>T on transcript NM_177531.6 (MANE Select); coding-DNA position 6515, C replaced by T.
Protein change: p.Ala2172Val; replaces alanine 2172 with valine.
Molecular consequence: missense variant.
Genome position (GRCh38, 1-based): chr8:109,452,725, C>T. VCF-style: chr8-109452725-C-T. GRCh37 (hg19) VCF-style: chr8-110464954-C-T.
Other names: short protein forms A2172V.
Identifiers: ClinVar variation 3213849 (VCV003213849.2), dbSNP rs375227242, ClinGen allele CA4845528.
Genomic context (GRCh38, chr8:109,452,725, plus strand): 5'-GAAAAACTCTGGTAAAATCCCTAAATTTTAAGGTCTCTTATGTTCTATTACAGGATAATG[C>T]TGACTTTCTTTATGTTGATGCCTGGTCCTCCAATTTCTCATGGGGGGGAAAATCTCCCCC-3'
Protein context (NP_803875.2, residues 2162-2182): RGVGMAKLDN[Ala2172Val]DFLYVDAWSS

ClinVar aggregate classification (germline): Uncertain significance. Review status: criteria provided, multiple submitters, no conflicts (2 of 4 stars). 2 submissions from 2 submitters: Uncertain significance (2). Last evaluated 2025-03-19.

Conditions:
PKHD1L1-related disorder. Also called: PKHD1L1-related condition.

Allele frequency attached by ClinVar (database versions not stated): gnomAD 0.00011; TOPMed 0.00013; gnomAD exomes 0.00023; ESP Exome Variant Server 0.00026; ExAC 0.00027.
gnomAD v4.1: 332 of 1,526,692 alleles (0.022%); highest among the groups gnomAD compares: Middle Eastern, 0.034%; no homozygotes.

Submissions (2):

PreventionGenetics, part of Exact Sciences
Classification: Uncertain significance for PKHD1L1-related condition. Last evaluated: 2025-03-19. Review status: criteria provided, single submitter. Criteria: ACMG Guidelines, 2015. Collection method: clinical testing. Allele origin: germline.
Comment: The PKHD1L1 c.6515C>T variant is predicted to result in the amino acid substitution p.Ala2172Val. To our knowledge, this variant has not been reported in the literature. This variant is reported in 0.055% of alleles in individuals of European (Finnish) descent in gnomAD. Although we suspect that this variant may be benign, at this time, the clinical significance of this variant is uncertain due to the absence of conclusive functional and genetic evidence.

Ambry Genetics
Classification: Uncertain significance. Last evaluated: 2023-12-27. Review status: criteria provided, single submitter. Criteria: Ambry Variant Classification Scheme 2023. Collection method: clinical testing. Allele origin: germline.